The following is an entry in ClinVar:

NM_004595.5(SMS):c.204G>T (p.Leu68Phe)

Gene: SMS (spermine synthase; plus strand). Cytogenetic location: Xp22.11.
Variant type: single nucleotide variant.
Coding change: c.204G>T on transcript NM_004595.5 (MANE Select); coding-DNA position 204, G replaced by T.
Protein change: p.Leu68Phe; replaces leucine 68 with phenylalanine.
Molecular consequence: missense variant. On other transcripts: intron variant (1).
Genome position (GRCh38, 1-based): chrX:21,971,930, G>T. VCF-style: chrX-21971930-G-T. GRCh37 (hg19) VCF-style: chrX-21990048-G-T.
Other names: c.170+4614G>T (NM_001258423.2); short protein forms L68F.
Identifiers: ClinVar variation 4874948 (VCV004874948.2).

ClinVar aggregate classification (germline): Uncertain significance (1 of 4 stars; one submission).

Submission:

CeGaT Center for Human Genetics Tuebingen
Classification: Uncertain significance. Last evaluated: 2026-05-01. Review status: criteria provided, single submitter. Criteria: CeGaT Center For Human Genetics Tuebingen Variant Classification Criteria Version 2. Collection method: clinical testing. Allele origin: germline. Affected: yes. Observed: 1 variant allele.
Comment: SMS: PM2